The following is an entry in ClinVar:

ClinVar aggregate classification (germline): Uncertain significance (1 of 4 stars; one submission).

Conditions:
Hereditary cancer-predisposing syndrome. Also called: Tumor predisposition; Neoplastic Syndromes, Hereditary; Hereditary neoplastic syndrome; Hereditary Cancer Syndrome. Identifiers: Orphanet 140162, MedGen C0027672, MeSH D009386, MONDO:0015356.

Allele frequency attached by ClinVar (database versions not stated): gnomAD exomes below 0.00001.
gnomAD v4.1: 2 of 1,612,360 alleles (0.00012%); highest among the groups gnomAD compares: Non-Finnish European, 0.00017%; no homozygotes.

Submission:

Color Diagnostics, LLC DBA Color Health
Classification: Uncertain significance for Hereditary cancer-predisposing syndrome. Last evaluated: 2023-12-05. Review status: criteria provided, single submitter. Criteria: ACMG Guidelines, 2015. Collection method: clinical testing. Allele origin: germline.
Comment: This missense variant replaces alanine with proline at codon 554 of the BARD1 protein. Computational prediction suggests that this variant may not impact protein structure and function (internally defined REVEL score threshold <= 0.5, PMID: 27666373). To our knowledge, functional studies have not been reported for this variant. This variant has not been reported in individuals affected with BARD1-related disorders in the literature. This variant has not been identified in the general population by the Genome Aggregation Database (gnomAD). The available evidence is insufficient to determine the role of this variant in disease conclusively. Therefore, this variant is classified as a Variant of Uncertain Significance.

NM_000465.4(BARD1):c.1660G>C (p.Ala554Pro)

Gene: BARD1 (BRCA1 associated RING domain 1; minus strand). Cytogenetic location: 2q35.
Variant type: single nucleotide variant.
Coding change: c.1660G>C on transcript NM_000465.4 (MANE Select); coding-DNA position 1660, G replaced by C.
Protein change: p.Ala554Pro; replaces alanine 554 with proline.
Molecular consequence: missense variant. On other transcripts: non-coding transcript variant (3), intron variant (1).
Genome position (GRCh38, 1-based): chr2:214,752,464, C>G on the plus strand (G>C on the coding strand, the complement: BARD1 is on the minus strand). VCF-style: chr2-214752464-C-G. GRCh37 (hg19) VCF-style: chr2-215617188-C-G.
Other names: c.1603G>C, p.Ala535Pro (NM_001282543.2); c.307G>C, p.Ala103Pro (NM_001282545.2); c.250G>C, p.Ala84Pro (NM_001282548.2); c.365-21956G>C (NM_001282549.2); short protein forms A554P, A84P, A103P, A535P.
Identifiers: ClinVar variation 630851 (VCV000630851.5), dbSNP rs1559394658, ClinGen allele CA350454600.